The following is an entry in ClinVar:

ClinVar aggregate classification (germline): Pathogenic (1 of 4 stars; one submission).

Conditions:
Marfan syndrome (MFS). Also called: MARFAN SYNDROME, TYPE I; Marfan syndrome type 1; Marfan's syndrome; Marfan syndrome, classic; FBN1-Related Marfan Syndrome. Identifiers: Orphanet 284963, Orphanet 558, MedGen C0024796, MONDO:0007947, OMIM 154700.
Familial thoracic aortic aneurysm and aortic dissection (TAAD). Also called: Thoracic aortic aneurysms and dissections. Identifiers: Orphanet 91387, MedGen C4707243, MONDO:0019625.

Submission:

Labcorp Genetics (formerly Invitae), Labcorp
Classification: Pathogenic for Marfan syndrome; Familial thoracic aortic aneurysm and aortic dissection. Last evaluated: 2022-12-02. Review status: criteria provided, single submitter. Criteria: Invitae Variant Classification Sherloc (09022015). Collection method: clinical testing. Allele origin: germline.
Comment: For these reasons, this variant has been classified as Pathogenic. This variant has not been reported in the literature in individuals affected with FBN1-related conditions. This variant is not present in population databases (gnomAD no frequency). This sequence change creates a premature translational stop signal (p.Cys224Valfs*106) in the FBN1 gene. It is expected to result in an absent or disrupted protein product. Loss-of-function variants in FBN1 are known to be pathogenic (PMID: 17657824, 19293843).

Literature cited by the submitters: PubMed 17657824; PubMed 19293843.

NM_000138.5(FBN1):c.670del (p.Cys224fs)

Gene: FBN1 (fibrillin 1; minus strand). Cytogenetic location: 15q21.1.
Variant type: Deletion.
Coding change: c.670del on transcript NM_000138.5 (MANE Select); coding-DNA position 670, one base deleted (T; older notation c.670delT).
Protein change: p.Cys224fs; shifts the reading frame from cysteine 224.
Molecular consequence: frameshift variant.
Genome position (GRCh38, 1-based): chr15:48,537,677, A deleted on the plus strand (T on the coding strand, the reverse complement: FBN1 is on the minus strand). VCF-style (leftmost placement, unchanged base first): chr15-48537676-CA-C. GRCh37 (hg19) VCF-style: chr15-48829873-CA-C.
Other names: c.670del, p.Cys224fs (NM_001406716.1, NM_001406717.1); short protein forms C224fs.
Identifiers: ClinVar variation 2941981 (VCV002941981.3), dbSNP rs2505661297, ClinGen allele CA2740096692.